The following is an entry in ClinVar:

NM_001282225.2(ADA2):c.934C>T (p.Arg312Ter)

Gene: ADA2 (adenosine deaminase 2; minus strand). Cytogenetic location: 22q11.1.
Variant type: single nucleotide variant.
Coding change: c.934C>T on transcript NM_001282225.2 (MANE Select); coding-DNA position 934, C replaced by T.
Protein change: p.Arg312Ter; replaces arginine 312 with a stop codon.
Molecular consequence: nonsense.
Genome position (GRCh38, 1-based): chr22:17,189,980, G>A on the plus strand (C>T on the coding strand, the complement: ADA2 is on the minus strand). VCF-style: chr22-17189980-G-A. GRCh37 (hg19) VCF-style: chr22-17670870-G-A.
Other names: c.934C>T, p.Arg312Ter (NM_001282226.2); c.808C>T, p.Arg270Ter (NM_001282227.2, NM_001282228.2); c.574C>T, p.Arg192Ter (NM_001282229.2); c.211C>T, p.Arg71Ter (NM_177405.3); short protein forms R192*, R71*, R270*, R312*.
Identifiers: ClinVar variation 852411 (VCV000852411.13), dbSNP rs368615054, ClinGen allele CA10088043.
Genomic context (GRCh38, chr22:17,189,980, plus strand): 5'-TTCTGTTCACAGCATGGGTTACCAGGTCAAACCCTGCCACCACCGTGGGGAACTTGATTC[G>A]GAGCCCCATGGCCATTCGGATGGATTCTGCGATGACAGCCACATCTTTGGATCTGTGAGA-3'

ClinVar aggregate classification (germline): Pathogenic. Review status: criteria provided, multiple submitters, no conflicts (2 of 4 stars). 4 submissions from 4 submitters: Pathogenic (4). Last evaluated 2026-03-13.

Conditions:
Deficiency of adenosine deaminase 2. Also called: Polyarteritis nodosa, childhoood-onset; Adenosine Deaminase 2 Deficiency; VASCULITIS, AUTOINFLAMMATION, IMMUNODEFICIENCY, AND HEMATOLOGIC DEFECTS SYNDROME. Identifiers: Orphanet 404553, MedGen C3887654, MONDO:0014306, OMIM 615688, MONDO:0100317.
Sneddon syndrome (SNDNS). Also called: LIVEDO RETICULARIS AND CEREBROVASCULAR ACCIDENTS; Idiopathic livedo reticularis with systemic involvement. Identifiers: Orphanet 820, MedGen C0282492, MONDO:0008436, OMIM 182410.

Allele frequency attached by ClinVar (database versions not stated): gnomAD exomes 0.00001; ExAC 0.00002; gnomAD 0.00005 and 0.00006; TOPMed 0.00005; ESP Exome Variant Server 0.00015.
gnomAD v4.1: 27 of 1,613,844 alleles (0.0017%); highest among the groups gnomAD compares: African/African-American, 0.008%; no homozygotes.

Submissions (4):

GeneDx
Classification: Pathogenic. Last evaluated: 2026-03-13. Review status: criteria provided, single submitter. Criteria: GeneDx Variant Classification Process June 2021. Collection method: clinical testing. Allele origin: germline.
Comment: Identified in patients with clinical features consistent with an ADA2-related disorder in published literature (PMID: 36807221, 28522451, 34324127); Nonsense variant predicted to result in protein truncation or nonsense mediated decay in a gene for which loss of function is a known mechanism of disease; Not observed at significant frequency in large population cohorts (gnomAD); This variant is associated with the following publications: (PMID: 35592317, 39161369, 36807221, 28522451, 34324127, 33394316, 34577178, 40518491)

Labcorp Genetics (formerly Invitae), Labcorp
Classification: Pathogenic for Deficiency of adenosine deaminase 2. Last evaluated: 2025-04-03. Review status: criteria provided, single submitter. Criteria: Invitae Variant Classification Sherloc (09022015). Collection method: clinical testing. Allele origin: germline.
Comment: This sequence change creates a premature translational stop signal (p.Arg312*) in the ADA2 gene. It is expected to result in an absent or disrupted protein product. Loss-of-function variants in ADA2 are known to be pathogenic (PMID: 24552284, 24552285). This variant is present in population databases (rs368615054, gnomAD 0.002%). This premature translational stop signal has been observed in individual(s) with ADA2-related disease (PMID: 28522451). It has also been observed to segregate with disease in related individuals. ClinVar contains an entry for this variant (Variation ID: 852411). Algorithms developed to predict the effect of sequence changes on RNA splicing suggest that this variant may disrupt the consensus splice site. For these reasons, this variant has been classified as Pathogenic.

3billion
Classification: Pathogenic for Deficiency of adenosine deaminase 2. Last evaluated: 2024-02-27. Review status: criteria provided, single submitter. Criteria: ACMG Guidelines, 2015. Collection method: clinical testing. Allele origin: germline. Affected: yes.
Comment: The variant is observed at an extremely low frequency in the gnomAD v2.1.1 dataset (total allele frequency: 0.001%). Predicted Consequence/Location: Stop-gained (nonsense): predicted to result in a loss or disruption of normal protein function through nonsense-mediated decay (NMD) or protein truncation. Multiple pathogenic variants are reported downstream of the variant. The variant has been reported at least twice as pathogenic without evidence for the classification (ClinVar ID: VCV000852411 /PMID: 28522451). Therefore, this variant is classified as Pathogenic according to the recommendation of ACMG/AMP guideline.

Fulgent Genetics
Classification: Pathogenic for Sneddon syndrome; Deficiency of adenosine deaminase 2. Last evaluated: 2021-07-05. Review status: criteria provided, single submitter. Criteria: ACMG Guidelines, 2015. Collection method: clinical testing. Allele origin: unknown.

Literature cited by the submitters: PubMed 24552284 (cited by Labcorp Genetics (formerly Invitae), Labcorp); PubMed 24552285 (cited by Labcorp Genetics (formerly Invitae), Labcorp); PubMed 28522451 (cited by Labcorp Genetics (formerly Invitae), Labcorp and 3billion).